The following is an entry in ClinVar:

ClinVar aggregate classification (germline): Uncertain significance. Review status: criteria provided, single submitter (1 of 4 stars). 2 submissions from 2 submitters: Uncertain significance (1). 1 of the submissions does not count toward it. Last evaluated 2024-10-02.

Allele frequency attached by ClinVar (database versions not stated): ExAC 0.00001; TOPMed 0.00001.
gnomAD v4.1: 11 of 1,613,982 alleles (0.00068%); highest among the groups gnomAD compares: Non-Finnish European, 0.00093%; no homozygotes.

Submissions (2):

Women's Health and Genetics/Laboratory Corporation of America, LabCorp
Classification: Uncertain significance. Last evaluated: 2024-10-02. Review status: criteria provided, single submitter. Criteria: LabCorp Variant Classification Summary - May 2015. Collection method: clinical testing. Allele origin: germline.
Comment: Variant summary: ABCA4 c.4549C>A (p.Arg1517Ser) results in a non-conservative amino acid change in the encoded protein sequence. Four of five in-silico tools predict a benign effect of the variant on protein function. The variant allele was found at a frequency of 4e-06 in 251478 control chromosomes. c.4549C>A has been reported in the literature in a heterozygous individual affected with age-related macular degeneration (Allikmets_1997). These data do not allow any conclusion about variant significance. At least one publication reports experimental evidence evaluating an impact on protein function. The most pronounced variant effect results in 50% reduction in ATP binding (Shroyer_2001). ClinVar contains an entry for this variant (Variation ID: 99299). Based on the evidence outlined above, the variant was classified as VUS-possibly pathogenic.

Retina International
No classification provided. Review status: no classification provided. Collection method: not provided. Allele origin: not provided. Not counted in ClinVar's aggregate classification.

Literature cited by the submitters: PubMed 11726554 (cited by Women's Health and Genetics/Laboratory Corporation of America, LabCorp); PubMed 9295268 (cited by Women's Health and Genetics/Laboratory Corporation of America, LabCorp).

NM_000350.3(ABCA4):c.4549C>A (p.Arg1517Ser)

Gene: ABCA4 (ATP binding cassette subfamily A member 4; minus strand). Cytogenetic location: 1p22.1.
Variant type: single nucleotide variant.
Coding change: c.4549C>A on transcript NM_000350.3 (MANE Select); coding-DNA position 4549, C replaced by A.
Protein change: p.Arg1517Ser; replaces arginine 1517 with serine.
Molecular consequence: missense variant.
Genome position (GRCh38, 1-based): chr1:94,025,039, G>T on the plus strand (C>A on the coding strand, the complement: ABCA4 is on the minus strand). VCF-style: chr1-94025039-G-T. GRCh37 (hg19) VCF-style: chr1-94490595-G-T.
Other names: c.4327C>A, p.Arg1443Ser (NM_001425324.1); short protein forms R1517S, R1443S.
Identifiers: ClinVar variation 99299 (VCV000099299.2), dbSNP rs1800550, ClinGen allele CA227212.